The following is an entry in ClinVar:

ClinVar aggregate classification (germline): Uncertain significance. Review status: criteria provided, multiple submitters, no conflicts (2 of 4 stars). 6 submissions from 6 submitters: Uncertain significance (6). Last evaluated 2024-11-13.

Conditions:
Autosomal recessive nonsyndromic hearing loss 101. Also called: Deafness, autosomal recessive 101. Identifiers: Orphanet 90636, MedGen C3892049, MONDO:0014363, OMIM 615837.

Allele frequency attached by ClinVar (database versions not stated): 1000 Genomes Project 0.00040; ExAC 0.00042; gnomAD exomes 0.00045 and 0.00079; 1000 Genomes Project 30x 0.00047; gnomAD 0.00049 and 0.00050; TOPMed 0.00052; ESP Exome Variant Server 0.00077.
gnomAD v4.1: 1,227 of 1,608,586 alleles (0.076%); highest among the groups gnomAD compares: Middle Eastern, 0.17%; 1 homozygote.

Submissions (6):

Blueprint Genetics
Classification: Uncertain significance. Last evaluated: 2024-11-13. Review status: criteria provided, single submitter. Criteria: ACMG Guidelines, 2015. Collection method: clinical testing. Allele origin: germline.

Ambry Genetics
Classification: Uncertain significance. Last evaluated: 2024-05-06. Review status: criteria provided, single submitter. Criteria: Ambry Variant Classification Scheme 2023. Collection method: clinical testing. Allele origin: germline.

Fulgent Genetics
Classification: Uncertain significance for Autosomal recessive nonsyndromic hearing loss 101. Last evaluated: 2024-02-27. Review status: criteria provided, single submitter. Criteria: ACMG Guidelines, 2015. Collection method: clinical testing. Allele origin: germline.

GeneDx
Classification: Uncertain significance. Last evaluated: 2023-01-27. Review status: criteria provided, single submitter. Criteria: GeneDx Variant Classification Process June 2021. Collection method: clinical testing. Allele origin: germline. Affected: yes.
Comment: In silico analysis supports that this missense variant does not alter protein structure/function; Has not been previously published as pathogenic or benign to our knowledge

Labcorp Genetics (formerly Invitae), Labcorp
Classification: Uncertain significance. Last evaluated: 2022-08-10. Review status: criteria provided, single submitter. Criteria: Invitae Variant Classification Sherloc (09022015). Collection method: clinical testing. Allele origin: germline.
Comment: This sequence change replaces glycine, which is neutral and non-polar, with cysteine, which is neutral and slightly polar, at codon 98 of the GRXCR2 protein (p.Gly98Cys). This variant is present in population databases (rs141629319, gnomAD 0.07%), and has an allele count higher than expected for a pathogenic variant. This variant has not been reported in the literature in individuals affected with GRXCR2-related conditions. ClinVar contains an entry for this variant (Variation ID: 1465821). Algorithms developed to predict the effect of missense changes on protein structure and function are either unavailable or do not agree on the potential impact of this missense change (SIFT: "Deleterious"; PolyPhen-2: "Probably Damaging"; Align-GVGD: "Class C0"). In summary, the available evidence is currently insufficient to determine the role of this variant in disease. Therefore, it has been classified as a Variant of Uncertain Significance.

Breakthrough Genomics
Classification: Uncertain significance. Review status: criteria provided, single submitter. Criteria: ACMG Guidelines, 2015. Collection method: not provided. Allele origin: germline. Inheritance: Autosomal recessive inheritance. Affected: yes.

NM_001080516.2(GRXCR2):c.292G>T (p.Gly98Cys)

Gene: GRXCR2 (glutaredoxin and cysteine rich domain containing 2; minus strand). Cytogenetic location: 5q32.
Variant type: single nucleotide variant.
Coding change: c.292G>T on transcript NM_001080516.2 (MANE Select); coding-DNA position 292, G replaced by T.
Protein change: p.Gly98Cys; replaces glycine 98 with cysteine.
Molecular consequence: missense variant.
Genome position (GRCh38, 1-based): chr5:145,872,677, C>A on the plus strand (G>T on the coding strand, the complement: GRXCR2 is on the minus strand). VCF-style: chr5-145872677-C-A. GRCh37 (hg19) VCF-style: chr5-145252240-C-A.
Other names: c.292G>T (NM_001080516.1); short protein forms G98C.
Identifiers: ClinVar variation 1465821 (VCV001465821.10), dbSNP rs141629319, ClinGen allele CA3488067.